The following is an entry in ClinVar:

NM_000282.4(PCCA):c.1729A>G (p.Asn577Asp)

Gene: PCCA (propionyl-CoA carboxylase subunit alpha; plus strand). Cytogenetic location: 13q32.3.
Variant type: single nucleotide variant.
Coding change: c.1729A>G on transcript NM_000282.4 (MANE Select); coding-DNA position 1729, A replaced by G.
Protein change: p.Asn577Asp; replaces asparagine 577 with aspartic acid.
Molecular consequence: missense variant. On other transcripts: non-coding transcript variant (2).
Genome position (GRCh38, 1-based): chr13:100,368,557, A>G. VCF-style: chr13-100368557-A-G. GRCh37 (hg19) VCF-style: chr13-101020811-A-G.
Other names: c.1651A>G, p.Asn551Asp (NM_001127692.3, NM_001352607.2); c.1729A>G, p.Asn577Asp (NM_001178004.2, NM_001352605.2, NM_001352609.2); c.1585A>G, p.Asn529Asp (NM_001352606.2); c.1507A>G, p.Asn503Asp (NM_001352608.2); c.784A>G, p.Asn262Asp (NM_001352610.2, NM_001352611.2); c.640A>G, p.Asn214Asp (NM_001352612.2); short protein forms N214D, N529D, N577D, N262D, N503D, N551D.
Identifiers: ClinVar variation 1507737 (VCV001507737.6), dbSNP rs1475268855, ClinGen allele CA388698329.
Genomic context (GRCh38, chr13:100,368,557, plus strand): 5'-GCCAACTGGGAGCTCTCAGTAAAATTGCATGATAAAGTTCATACCGTAGTAGCATCAAAC[A>G]ATGGGTCAGTGTTCTCGGTGAGTTTTCTTTCTTTATTTTCTTGGTAATCTTGATGTTATC-3'
Protein context (NP_000273.2, residues 567-587): DKVHTVVASN[Asn577Asp]GSVFSVEVDG

ClinVar aggregate classification (germline): Uncertain significance (1 of 4 stars; one submission).

Conditions:
Propionic acidemia (PROP). Also called: GLYCINEMIA, KETOTIC; HYPERGLYCINEMIA WITH KETOACIDOSIS AND LEUKOPENIA; KETOTIC HYPERGLYCINEMIA. Identifiers: Orphanet 35, MedGen C0268579, MONDO:0011628, OMIM 606054, HP:0003571.

Allele frequency attached by ClinVar (database versions not stated): gnomAD exomes below 0.00001 and 0.00001; gnomAD 0.00001; TOPMed 0.00001.
gnomAD v4.1: 11 of 1,600,248 alleles (0.00069%); highest among the groups gnomAD compares: South Asian, 0.0066%; no homozygotes.

Submission:

Labcorp Genetics (formerly Invitae), Labcorp
Classification: Uncertain significance for Propionic acidemia. Last evaluated: 2022-10-14. Review status: criteria provided, single submitter. Criteria: Invitae Variant Classification Sherloc (09022015). Collection method: clinical testing. Allele origin: germline.
Comment: This sequence change replaces asparagine, which is neutral and polar, with aspartic acid, which is acidic and polar, at codon 577 of the PCCA protein (p.Asn577Asp). This variant is present in population databases (no rsID available, gnomAD 0.003%). This variant has not been reported in the literature in individuals affected with PCCA-related conditions. ClinVar contains an entry for this variant (Variation ID: 1507737). Advanced modeling of protein sequence and biophysical properties (such as structural, functional, and spatial information, amino acid conservation, physicochemical variation, residue mobility, and thermodynamic stability) performed at Invitae indicates that this missense variant is not expected to disrupt PCCA protein function. In summary, the available evidence is currently insufficient to determine the role of this variant in disease. Therefore, it has been classified as a Variant of Uncertain Significance.